The following is an entry in ClinVar:

NM_016284.5(CNOT1):c.1585-14del

Gene: CNOT1 (CCR4-NOT transcription complex subunit 1; minus strand). Cytogenetic location: 16q21.
Variant type: Deletion.
Coding change: c.1585-14del on transcript NM_016284.5 (MANE Select); 14 bases into the intron before coding-DNA position 1585, one base deleted (C; older notation c.1585-14delC).
Molecular consequence: intron variant.
Genome position (GRCh38, 1-based): chr16:58,576,596, G deleted on the plus strand (C on the coding strand, the reverse complement: CNOT1 is on the minus strand). VCF-style (leftmost placement, unchanged base first): chr16-58576595-AG-A. GRCh37 (hg19) VCF-style: chr16-58610499-AG-A.
Other names: c.1585-14del (NM_001265612.2, NM_206999.3).
Identifiers: ClinVar variation 1804807 (VCV001804807.1), dbSNP rs2545111168, ClinGen allele CA2580091814.
Genomic context (GRCh38, chr16:58,576,595, plus strand): 5'-TTCTGCCATTGCATGCATGATAAGTTGGCGAATTGAGGGAGACTGTCCCTAAAAAGGGGA[AG>A]AAAGATTAAATAGCAATACTGCTAAACACTGTGATAGATATTATTACAAATGCCCAGTTA-3'

ClinVar aggregate classification (germline): Uncertain significance (1 of 4 stars; one submission).

Allele frequency attached by ClinVar (database versions not stated): gnomAD exomes below 0.00001.

Submission:

Women's Health and Genetics/Laboratory Corporation of America, LabCorp
Classification: Uncertain significance. Last evaluated: 2022-11-21. Review status: criteria provided, single submitter. Criteria: LabCorp Variant Classification Summary - May 2015. Collection method: clinical testing. Allele origin: germline.
Comment: Variant summary: CNOT1 c.1585-14delC alters a non-conserved nucleotide located close to a canonical splice site and therefore could affect mRNA splicing, leading to a significantly altered protein sequence. 4/4 computational tools predict no significant impact on normal splicing. However, these predictions have yet to be confirmed by functional studies. The variant was absent in 251206 control chromosomes. The available data on variant occurrences in the general population are insufficient to allow any conclusion about variant significance. To our knowledge, no occurrence of c.1585-14delC in individuals affected with Vissers-Bodmer Syndrome and no experimental evidence demonstrating its impact on protein function have been reported. No clinical diagnostic laboratories have submitted clinical-significance assessments for this variant to ClinVar after 2014. Based on the evidence outlined above, the variant was classified as uncertain significance.